The following is an entry in ClinVar:

ClinVar aggregate classification (germline): Likely pathogenic (1 of 4 stars; one submission).

Conditions:
Marfan syndrome (MFS). Also called: MARFAN SYNDROME, TYPE I; Marfan syndrome type 1; Marfan's syndrome; Marfan syndrome, classic; FBN1-Related Marfan Syndrome. Identifiers: Orphanet 284963, Orphanet 558, MedGen C0024796, MONDO:0007947, OMIM 154700.
Familial thoracic aortic aneurysm and aortic dissection (TAAD). Also called: Thoracic aortic aneurysms and dissections. Identifiers: Orphanet 91387, MedGen C4707243, MONDO:0019625.

Submission:

Labcorp Genetics (formerly Invitae), Labcorp
Classification: Likely pathogenic for Marfan syndrome; Familial thoracic aortic aneurysm and aortic dissection. Last evaluated: 2024-03-13. Review status: criteria provided, single submitter. Criteria: Invitae Variant Classification Sherloc (09022015). Collection method: clinical testing. Allele origin: germline.
Comment: This sequence change replaces aspartic acid, which is acidic and polar, with tyrosine, which is neutral and polar, at codon 1115 of the FBN1 protein (p.Asp1115Tyr). This variant is not present in population databases (gnomAD no frequency). This missense change has been observed in individual(s) with clinical features of Marfan syndrome (Invitae). Advanced modeling of protein sequence and biophysical properties (such as structural, functional, and spatial information, amino acid conservation, physicochemical variation, residue mobility, and thermodynamic stability) performed at Invitae indicates that this missense variant is expected to disrupt FBN1 protein function with a positive predictive value of 95%. This variant disrupts the p.Asp1115 amino acid residue in FBN1. Other variant(s) that disrupt this residue have been determined to be pathogenic (PMID: 11175294, 32123317). This suggests that this residue is clinically significant, and that variants that disrupt this residue are likely to be disease-causing. In summary, the currently available evidence indicates that the variant is pathogenic, but additional data are needed to prove that conclusively. Therefore, this variant has been classified as Likely Pathogenic.

Literature cited by the submitters: PubMed 11175294; PubMed 32123317.

NM_000138.5(FBN1):c.3343G>T (p.Asp1115Tyr)

Gene: FBN1 (fibrillin 1; minus strand). Cytogenetic location: 15q21.1.
Variant type: single nucleotide variant.
Coding change: c.3343G>T on transcript NM_000138.5 (MANE Select); coding-DNA position 3343, G replaced by T.
Protein change: p.Asp1115Tyr; replaces aspartic acid 1115 with tyrosine.
Molecular consequence: missense variant.
Genome position (GRCh38, 1-based): chr15:48,487,432, C>A on the plus strand (G>T on the coding strand, the complement: FBN1 is on the minus strand). VCF-style: chr15-48487432-C-A. GRCh37 (hg19) VCF-style: chr15-48779629-C-A.
Other names: c.3343G>T, p.Asp1115Tyr (NM_001406716.1); short protein forms D1115Y.
Identifiers: ClinVar variation 2922438 (VCV002922438.3), dbSNP rs2141293800, ClinGen allele CA392326803.